The following is an entry in ClinVar:

ClinVar aggregate classification (germline): Uncertain significance. Review status: criteria provided, multiple submitters, no conflicts (2 of 4 stars). 3 submissions from 3 submitters: Uncertain significance (3). Last evaluated 2025-12-11.

Conditions:
Hypophosphatemic nephrolithiasis/osteoporosis 1. Identifiers: Orphanet 244305, MedGen C2676786, MONDO:0012850, OMIM 612286.
Hypercalcemia, infantile, 2 (HCINF2). Identifiers: Orphanet 300547, MedGen C4310473, MONDO:0014851, OMIM 616963.
Fanconi renotubular syndrome 2 (FRTS2). Identifiers: MedGen C3150652, MONDO:0013247, OMIM 613388.
Inborn genetic diseases. Identifiers: MedGen C0950123, MeSH D030342.

Allele frequency attached by ClinVar (database versions not stated): ExAC 0.00001; gnomAD 0.00003; TOPMed 0.00003; gnomAD exomes 0.00008.
gnomAD v4.1: 124 of 1,611,730 alleles (0.0077%); highest among the groups gnomAD compares: Non-Finnish European, 0.0096%; no homozygotes.

Submissions (3):

Ambry Genetics
Classification: Uncertain significance for Inborn genetic diseases. Last evaluated: 2025-12-11. Review status: criteria provided, single submitter. Criteria: Ambry Variant Classification Scheme 2023. Collection method: clinical testing. Allele origin: germline.

Fulgent Genetics
Classification: Uncertain significance for Hypophosphatemic nephrolithiasis/osteoporosis 1; Fanconi renotubular syndrome 2; Hypercalcemia, infantile, 2. Last evaluated: 2024-05-31. Review status: criteria provided, single submitter. Criteria: ACMG Guidelines, 2015. Collection method: clinical testing. Allele origin: germline.

Labcorp Genetics (formerly Invitae), Labcorp
Classification: Uncertain significance. Last evaluated: 2022-06-13. Review status: criteria provided, single submitter. Criteria: Invitae Variant Classification Sherloc (09022015). Collection method: clinical testing. Allele origin: germline.
Comment: This sequence change replaces arginine, which is basic and polar, with histidine, which is basic and polar, at codon 595 of the SLC34A1 protein (p.Arg595His). This variant is present in population databases (rs17854804, gnomAD 0.005%). This variant has not been reported in the literature in individuals affected with SLC34A1-related conditions. Algorithms developed to predict the effect of missense changes on protein structure and function output the following: SIFT: "Tolerated"; PolyPhen-2: "Benign"; Align-GVGD: "Class C0". The histidine amino acid residue is found in multiple mammalian species, which suggests that this missense change does not adversely affect protein function. In summary, the available evidence is currently insufficient to determine the role of this variant in disease. Therefore, it has been classified as a Variant of Uncertain Significance.

NM_003052.5(SLC34A1):c.1784G>A (p.Arg595His)

Gene: SLC34A1 (solute carrier family 34 member 1; plus strand). Cytogenetic location: 5q35.3.
Variant type: single nucleotide variant.
Coding change: c.1784G>A on transcript NM_003052.5 (MANE Select); coding-DNA position 1784, G replaced by A.
Protein change: p.Arg595His; replaces arginine 595 with histidine.
Molecular consequence: missense variant.
Genome position (GRCh38, 1-based): chr5:177,398,150, G>A. VCF-style: chr5-177398150-G-A. GRCh37 (hg19) VCF-style: chr5-176825151-G-A.
Other names: c.1784G>A (NM_003052.4); short protein forms R595H.
Identifiers: ClinVar variation 2146935 (VCV002146935.4), dbSNP rs17854804, ClinGen allele CA3580882.